The following is an entry in ClinVar:

NM_182493.3(MYLK3):c.1772+1G>A

Gene: MYLK3 (myosin light chain kinase 3; minus strand). Cytogenetic location: 16q11.2.
Variant type: single nucleotide variant.
Coding change: c.1772+1G>A on transcript NM_182493.3 (MANE Select); the canonical splice donor site of the intron after coding-DNA position 1772, G replaced by A.
Molecular consequence: splice donor variant.
Genome position (GRCh38, 1-based): chr16:46,729,023, C>T on the plus strand (G>A on the coding strand, the complement: MYLK3 is on the minus strand). VCF-style: chr16-46729023-C-T. GRCh37 (hg19) VCF-style: chr16-46762935-C-T.
Other names: c.749+1G>A (NM_001308301.1).
Identifiers: ClinVar variation 4803748 (VCV004803748.1).

ClinVar aggregate classification (germline): Uncertain significance (1 of 4 stars; one submission).

Submission:

Labcorp Genetics (formerly Invitae), Labcorp
Classification: Uncertain significance. Last evaluated: 2025-09-15. Review status: criteria provided, single submitter. Criteria: Invitae Variant Classification Sherloc (09022015). Collection method: clinical testing. Allele origin: germline.
Comment: This sequence change affects a donor splice site in intron 7 of the MYLK3 gene. It is expected to disrupt RNA splicing. Variants that disrupt the donor or acceptor splice site typically lead to a loss of protein function (PMID: 16199547), however the current clinical and genetic evidence is not sufficient to establish whether loss-of-function variants in MYLK3 cause disease. This variant is not present in population databases (gnomAD no frequency). This variant has not been reported in the literature in individuals affected with MYLK3-related conditions. Algorithms developed to predict the effect of sequence changes on RNA splicing suggest that this variant may disrupt the consensus splice site. In summary, the available evidence is currently insufficient to determine the role of this variant in disease. Therefore, it has been classified as a Variant of Uncertain Significance.

Literature cited by the submitters: PubMed 16199547.